The following is an entry in ClinVar:

NM_153247.4(SLC29A4):c.921A>G (p.Pro307=)

Gene: SLC29A4 (solute carrier family 29 member 4; plus strand). Cytogenetic location: 7p22.1.
Variant type: single nucleotide variant.
Coding change: c.921A>G on transcript NM_153247.4 (MANE Select); coding-DNA position 921, A replaced by G.
Protein change: p.Pro307=; no amino-acid change (proline 307 retained).
Molecular consequence: synonymous variant.
Genome position (GRCh38, 1-based): chr7:5,299,026, A>G. VCF-style: chr7-5299026-A-G. GRCh37 (hg19) VCF-style: chr7-5338657-A-G.
Other names: c.921A>G, p.Pro307= (NM_001040661.3); c.879A>G, p.Pro293= (NM_001300847.3).
Identifiers: ClinVar variation 3047347 (VCV003047347.2), dbSNP rs777592937, ClinGen allele CA4142706.

ClinVar aggregate classification (germline): Likely benign (0 of 4 stars; one submission).

Conditions:
SLC29A4-related disorder. Also called: SLC29A4-related condition.

Allele frequency attached by ClinVar (database versions not stated): ExAC 0.00001; TOPMed 0.00002; gnomAD exomes 0.00003.
gnomAD v4.1: 39 of 1,611,668 alleles (0.0024%); highest among the groups gnomAD compares: Non-Finnish European, 0.0032%; no homozygotes.

Submission:

PreventionGenetics, part of Exact Sciences
Classification: Likely benign for SLC29A4-related condition. Last evaluated: 2019-03-20. Review status: no assertion criteria provided. Collection method: clinical testing. Allele origin: germline.
Comment: This variant is classified as likely benign based on ACMG/AMP sequence variant interpretation guidelines (Richards et al. 2015 PMID: 25741868, with internal and published modifications).